The following is an entry in ClinVar:

NM_014314.4(RIGI):c.323A>G (p.Lys108Arg)

Gene: RIGI (RNA sensor RIG-I; minus strand). Cytogenetic location: 9p21.1.
Variant type: single nucleotide variant.
Coding change: c.323A>G on transcript NM_014314.4 (MANE Select); coding-DNA position 323, A replaced by G.
Protein change: p.Lys108Arg; replaces lysine 108 with arginine.
Molecular consequence: missense variant. On other transcripts: 5 prime UTR variant (3).
Genome position (GRCh38, 1-based): chr9:32,493,861, T>C on the plus strand (A>G on the coding strand, the complement: RIGI is on the minus strand). VCF-style: chr9-32493861-T-C. GRCh37 (hg19) VCF-style: chr9-32493859-T-C.
Other names: c.323A>G, p.Lys108Arg (NM_001385907.1, NM_001385909.1, NM_001385913.1); c.-132A>G (NM_001385910.1, NM_001385914.1); c.-139A>G (NM_001385912.1); short protein forms K108R.
Identifiers: ClinVar variation 3677313 (VCV003677313.2).

ClinVar aggregate classification (germline): Uncertain significance (1 of 4 stars; one submission).

gnomAD v4.1: 1 of 1,611,358 alleles (0.000062%); highest among the groups gnomAD compares: Non-Finnish European, 0.000085%; no homozygotes.

Submission:

Labcorp Genetics (formerly Invitae), Labcorp
Classification: Uncertain significance. Last evaluated: 2025-04-24. Review status: criteria provided, single submitter. Criteria: Invitae Variant Classification Sherloc (09022015). Collection method: clinical testing. Allele origin: germline.
Comment: This sequence change replaces lysine, which is basic and polar, with arginine, which is basic and polar, at codon 108 of the DDX58 protein (p.Lys108Arg). This variant is present in population databases (no rsID available, gnomAD 0.0009%). This variant has not been reported in the literature in individuals affected with DDX58-related conditions. ClinVar contains an entry for this variant (Variation ID: 3677313). An algorithm developed to predict the effect of missense changes on protein structure and function outputs the following: PolyPhen-2: "Benign". The arginine amino acid residue is found in multiple mammalian species, which suggests that this missense change does not adversely affect protein function. In summary, the available evidence is currently insufficient to determine the role of this variant in disease. Therefore, it has been classified as a Variant of Uncertain Significance.